The following is an entry in ClinVar:

NM_013275.6(ANKRD11):c.913G>A (p.Ala305Thr)

Gene: ANKRD11 (ankyrin repeat domain 11; minus strand). Cytogenetic location: 16q24.3.
Variant type: single nucleotide variant.
Coding change: c.913G>A on transcript NM_013275.6 (MANE Select); coding-DNA position 913, G replaced by A.
Protein change: p.Ala305Thr; replaces alanine 305 with threonine.
Molecular consequence: missense variant.
Genome position (GRCh38, 1-based): chr16:89,285,629, C>T on the plus strand (G>A on the coding strand, the complement: ANKRD11 is on the minus strand). VCF-style: chr16-89285629-C-T. GRCh37 (hg19) VCF-style: chr16-89352037-C-T.
Other names: c.913G>A, p.Ala305Thr (NM_001256182.2, NM_001256183.2); short protein forms A305T.
Identifiers: ClinVar variation 2647092 (VCV002647092.27), dbSNP rs138353708, ClinGen allele CA8242898.
Genomic context (GRCh38, chr16:89,285,629, plus strand): 5'-TTTCGAACTCGGAGTCCGTGTTGTTGCCGTCGACTGAACTGGAAGGTGCGAAGGATGGTG[C>T]GTCTTCCTCTTCTGAGCTCTCTGTTGGAGGTAGGAAGCGAGAGGTCACAGGCAGGCTCAA-3'
Protein context (NP_037407.4, residues 295-315): SSTESSEEED[Ala305Thr]PSFAPSSSVD

ClinVar aggregate classification (germline): Benign/Likely benign. Review status: criteria provided, multiple submitters, no conflicts (2 of 4 stars). 4 submissions from 4 submitters: Benign (1); Likely benign (2). 1 of the submissions does not count toward it. Last evaluated 2025-10-15.

Conditions:
Isolated dental anomalies.
KBG syndrome (KBGS). Also called: ANKRD11-Related KBG Syndrome. Identifiers: Orphanet 2332, MedGen C0220687, MONDO:0007846, OMIM 148050.

Allele frequency attached by ClinVar (database versions not stated): ESP Exome Variant Server 0.00008; gnomAD exomes 0.00001; gnomAD 0.00002; TOPMed 0.00003; ExAC 0.00006.
gnomAD v4.1: 27 of 1,614,024 alleles (0.0017%); highest among the groups gnomAD compares: East Asian, 0.029%; no homozygotes.

Submissions (4):

Labcorp Genetics (formerly Invitae), Labcorp
Classification: Benign for KBG syndrome. Last evaluated: 2025-10-15. Review status: criteria provided, single submitter. Criteria: Invitae Variant Classification Sherloc (09022015). Collection method: clinical testing. Allele origin: germline.

Blueprint Genetics
Classification: Likely benign. Last evaluated: 2024-02-29. Review status: criteria provided, single submitter. Criteria: ACMG Guidelines, 2015. Collection method: clinical testing. Allele origin: germline.

CeGaT Center for Human Genetics Tuebingen
Classification: Likely benign. Last evaluated: 2023-05-01. Review status: criteria provided, single submitter. Criteria: CeGaT Center For Human Genetics Tuebingen Variant Classification Criteria Version 2. Collection method: clinical testing. Allele origin: germline. Affected: yes. Observed: 1 variant allele.
Comment: ANKRD11: BS1

Center of Excellence in Medical Genetics Research, Chiang Mai University
Classification: Uncertain significance for Isolated dental anomalies. Last evaluated: 2026-08-18. Review status: no assertion criteria provided. Collection method: research. Allele origin: germline. Affected: yes. Observed: 1 variant allele. Not counted in ClinVar's aggregate classification.
Comment: NM_013275.6:c.913G>A is a missense variant in ANKRD11. The in silico mutation prediction results were MutationTaster (Disease Causing; 0.999932045417094), PolyPhen-2 (Probably Damaging; 0.999), SIFT (Uncertain; 0.029), CADD (24.7), and DANN (Uncertain; 0.9988). It occurs at a low frequency in the gnomAD population database (gnomAD Global = 0.00001673, East Asian = 0.0002896, South Asian = 0) and was detected in 3/2184 alleles in the T-Rex database (Thai exomes) (PM2). This variant has been previously reported in ClinVar with one likely benign and one benign (BP6). In summary, based on the ACMG/AMP criteria applied, this variant is classified as a variant of uncertain significance (VUS) for isolated dental anomalies.